The following is an entry in ClinVar:

ClinVar aggregate classification (germline): Benign. Review status: criteria provided, multiple submitters, no conflicts (2 of 4 stars). 6 submissions from 6 submitters: Benign (6). Last evaluated 2026-02-04.

Conditions:
Autoinflammatory syndrome. Identifiers: Orphanet 93665, MedGen C3890737, MONDO:0019751.
Familial hemophagocytic lymphohistiocytosis 3 (FHL3). Also called: UNC13D-Related Familial Hemophagocytic Lymphohistiocytosis (UNC13D-fHLH). Identifiers: Orphanet 540, MedGen C1837174, MONDO:0012146, OMIM 608898.

Allele frequency attached by ClinVar (database versions not stated): gnomAD exomes 0.00467 and 0.01437; ExAC 0.01718; ESP Exome Variant Server 0.02468; gnomAD 0.02507 and 0.02622; 1000 Genomes Project 30x 0.02951; TOPMed 0.02952; 1000 Genomes Project 0.03115.

Submissions (6):

Labcorp Genetics (formerly Invitae), Labcorp
Classification: Benign for Familial hemophagocytic lymphohistiocytosis 3. Last evaluated: 2026-02-04. Review status: criteria provided, single submitter. Criteria: Invitae Variant Classification Sherloc (09022015). Collection method: clinical testing. Allele origin: germline.

Mayo Clinic Laboratories, Mayo Clinic
Classification: Benign. Last evaluated: 2023-04-16. Review status: criteria provided, single submitter. Criteria: ACMG Guidelines, 2015. Collection method: clinical testing. Allele origin: germline. Observed: 14 variant alleles.

Genome Diagnostics Laboratory, The Hospital for Sick Children
Classification: Benign for Autoinflammatory syndrome. Last evaluated: 2022-03-12. Review status: criteria provided, single submitter. Criteria: ACMG Guidelines, 2015. Collection method: clinical testing. Allele origin: germline. Affected: yes.

Illumina Laboratory Services, Illumina
Classification: Benign for Familial hemophagocytic lymphohistiocytosis 3. Last evaluated: 2018-01-12. Review status: criteria provided, single submitter. Criteria: ICSL Variant Classification Criteria 13 December 2019. Collection method: clinical testing. Allele origin: germline.
Comment: This variant was observed in the ICSL laboratory as part of a predisposition screen in an ostensibly healthy population. It had not been previously curated by ICSL or reported in the Human Gene Mutation Database (HGMD: prior to June 1st, 2018), and was therefore a candidate for classification through an automated scoring system. Utilizing variant allele frequency, disease prevalence and penetrance estimates, and inheritance mode, an automated score was calculated to assess if this variant is too frequent to cause the disease. Based on the score and internal cut-off values, a variant classified as benign is not then subjected to further curation. The score for this variant resulted in a classification of benign for this disease.

Breakthrough Genomics
Classification: Benign. Review status: criteria provided, single submitter. Criteria: ACMG Guidelines, 2015. Collection method: not provided. Allele origin: germline. Inheritance: Autosomal recessive inheritance. Affected: yes.

PreventionGenetics, part of Exact Sciences
Classification: Benign. Review status: criteria provided, single submitter. Criteria: ACMG Guidelines, 2015. Collection method: clinical testing. Allele origin: germline.

NM_199242.3(UNC13D):c.1744C>T (p.Leu582=)

Gene: UNC13D (unc-13 homolog D; minus strand). Cytogenetic location: 17q25.1.
Variant type: single nucleotide variant.
Coding change: c.1744C>T on transcript NM_199242.3 (MANE Select); coding-DNA position 1744, C replaced by T.
Protein change: p.Leu582=; no amino-acid change (leucine 582 retained).
Molecular consequence: synonymous variant.
Genome position (GRCh38, 1-based): chr17:75,835,513, G>A on the plus strand (C>T on the coding strand, the complement: UNC13D is on the minus strand). VCF-style: chr17-75835513-G-A. GRCh37 (hg19) VCF-style: chr17-73831594-G-A.
Other names: p.Leu582=.
Identifiers: ClinVar variation 263218 (VCV000263218.19), dbSNP rs75853379, ClinGen allele CA8772822.